The following is an entry in ClinVar:

ClinVar aggregate classification (germline): Uncertain significance. Review status: criteria provided, multiple submitters, no conflicts (2 of 4 stars). 3 submissions from 3 submitters: Uncertain significance (3). Last evaluated 2024-05-08.

Conditions:
Inborn genetic diseases. Identifiers: MedGen C0950123, MeSH D030342.
Disorders of Intracellular Cobalamin Metabolism. Identifiers: MedGen CN043592.
Methylcobalamin deficiency type cblE (HMAE). Also called: VITAMIN B12-RESPONSIVE HOMOCYSTINURIA, cblE TYPE; HOMOCYSTINURIA-MEGALOBLASTIC ANEMIA, cblE COMPLEMENTATION TYPE; HOMOCYSTINURIA-MEGALOBLASTIC ANEMIA, cblE TYPE. Identifiers: Orphanet 2169, Orphanet 622, MedGen C1856057, MONDO:0009354, OMIM 236270.

Allele frequency attached by ClinVar (database versions not stated): TOPMed 0.00002.
gnomAD v4.1: 21 of 1,613,618 alleles (0.0013%); highest among the groups gnomAD compares: Admixed American, 0.025%; no homozygotes.

Submissions (3):

Labcorp Genetics (formerly Invitae), Labcorp
Classification: Uncertain significance for Methylcobalamin deficiency type cblE. Last evaluated: 2024-05-08. Review status: criteria provided, single submitter. Criteria: Invitae Variant Classification Sherloc (09022015). Collection method: clinical testing. Allele origin: germline.
Comment: This sequence change replaces valine, which is neutral and non-polar, with alanine, which is neutral and non-polar, at codon 674 of the MTRR protein (p.Val674Ala). This variant is present in population databases (rs775031794, gnomAD 0.03%). This variant has not been reported in the literature in individuals affected with MTRR-related conditions. ClinVar contains an entry for this variant (Variation ID: 354364). Advanced modeling of protein sequence and biophysical properties (such as structural, functional, and spatial information, amino acid conservation, physicochemical variation, residue mobility, and thermodynamic stability) performed at Invitae indicates that this missense variant is not expected to disrupt MTRR protein function with a negative predictive value of 80%. In summary, the available evidence is currently insufficient to determine the role of this variant in disease. Therefore, it has been classified as a Variant of Uncertain Significance.

Ambry Genetics
Classification: Uncertain significance for Inborn genetic diseases. Last evaluated: 2022-01-27. Review status: criteria provided, single submitter. Criteria: Ambry Variant Classification Scheme 2023. Collection method: clinical testing. Allele origin: germline.

Illumina Laboratory Services, Illumina
Classification: Uncertain significance for Disorders of Intracellular Cobalamin Metabolism. Last evaluated: 2018-01-12. Review status: criteria provided, single submitter. Criteria: ICSL Variant Classification Criteria 13 December 2019. Collection method: clinical testing. Allele origin: germline.

NM_002454.3(MTRR):c.2021T>C (p.Val674Ala)

Gene: MTRR (5-methyltetrahydrofolate-homocysteine methyltransferase reductase; plus strand). Cytogenetic location: 5p15.31.
Variant type: single nucleotide variant.
Coding change: c.2021T>C on transcript NM_002454.3 (MANE Select); coding-DNA position 2021, T replaced by C.
Protein change: p.Val674Ala; replaces valine 674 with alanine.
Molecular consequence: missense variant. On other transcripts: non-coding transcript variant (14).
Genome position (GRCh38, 1-based): chr5:7,899,982, T>C. VCF-style: chr5-7899982-T-C. GRCh37 (hg19) VCF-style: chr5-7900095-T-C.
Other names: c.2021T>C, p.Val674Ala (NM_001364440.2, NM_001364441.2, NM_001364442.2 and 1 more transcripts); short protein forms V674A.
Identifiers: ClinVar variation 354364 (VCV000354364.9), dbSNP rs775031794, ClinGen allele CA3196149.